The following is an entry in ClinVar:

ClinVar aggregate classification (germline): Uncertain significance. Review status: criteria provided, multiple submitters, no conflicts (2 of 4 stars). 3 submissions from 3 submitters: Uncertain significance (3). Last evaluated 2025-02-24.

Conditions:
Episodic ataxia type 2 (EA2). Also called: ATAXIA, EPISODIC, WITH NYSTAGMUS; ATAXIA, FAMILIAL PAROXYSMAL; CEREBELLAR ATAXIA, PAROXYSMAL, ACETAZOLAMIDE-RESPONSIVE; CEREBELLOPATHY, HEREDITARY PAROXYSMAL; ACETAZOLAMIDE-RESPONSIVE HEREDITARY PAROXYSMAL CEREBELLAR ATAXIA; EPISODIC ATAXIA, NYSTAGMUS-ASSOCIATED. Identifiers: Orphanet 97, MedGen C1720416, MONDO:0007163, OMIM 108500.
Developmental and epileptic encephalopathy, 42 (DEE42A). Also called: DEVELOPMENTAL AND EPILEPTIC ENCEPHALOPATHY 42A; EPILEPTIC ENCEPHALOPATHY, EARLY INFANTILE, 42A; Epileptic encephalopathy, early infantile, 42. Identifiers: MedGen C4310716, MONDO:0014917, OMIM 617106.
Inborn genetic diseases. Identifiers: MedGen C0950123, MeSH D030342.

Allele frequency attached by ClinVar (database versions not stated): ExAC 0.00002; TOPMed 0.00001.
gnomAD v4.1: 3 of 1,613,508 alleles (0.00019%); highest among the groups gnomAD compares: Non-Finnish European, 0.00025%; no homozygotes.

Submissions (3):

Labcorp Genetics (formerly Invitae), Labcorp
Classification: Uncertain significance for Developmental and epileptic encephalopathy, 42; Episodic ataxia type 2. Last evaluated: 2025-02-24. Review status: criteria provided, single submitter. Criteria: Invitae Variant Classification Sherloc (09022015). Collection method: clinical testing. Allele origin: germline.
Comment: This sequence change replaces cysteine, which is neutral and slightly polar, with tryptophan, which is neutral and slightly polar, at codon 1613 of the CACNA1A protein (p.Cys1613Trp). This variant is present in population databases (rs781413708, gnomAD 0.003%). This variant has not been reported in the literature in individuals affected with CACNA1A-related conditions. ClinVar contains an entry for this variant (Variation ID: 393096). Invitae Evidence Modeling of protein sequence and biophysical properties (such as structural, functional, and spatial information, amino acid conservation, physicochemical variation, residue mobility, and thermodynamic stability) has been performed for this missense variant. However, the output from this modeling did not meet the statistical confidence thresholds required to predict the impact of this variant on CACNA1A protein function. In summary, the available evidence is currently insufficient to determine the role of this variant in disease. Therefore, it has been classified as a Variant of Uncertain Significance.

GeneDx
Classification: Uncertain significance. Last evaluated: 2024-11-10. Review status: criteria provided, single submitter. Criteria: GeneDx Variant Classification Process June 2021. Collection method: clinical testing. Allele origin: germline. Affected: yes.
Comment: Not observed at significant frequency in large population cohorts (gnomAD); In silico analysis supports that this missense variant has a deleterious effect on protein structure/function; Has not been previously published as pathogenic or benign to our knowledge

Ambry Genetics
Classification: Uncertain significance for Inborn genetic diseases. Last evaluated: 2022-08-02. Review status: criteria provided, single submitter. Criteria: Ambry Variant Classification Scheme 2023. Collection method: clinical testing. Allele origin: germline.

NM_001127222.2(CACNA1A):c.4836T>G (p.Cys1612Trp)

Gene: CACNA1A (calcium voltage-gated channel subunit alpha1 A; minus strand). Cytogenetic location: 19p13.13.
Variant type: single nucleotide variant.
Coding change: c.4836T>G on transcript NM_001127222.2 (MANE Select); coding-DNA position 4836, T replaced by G.
Protein change: p.Cys1612Trp; replaces cysteine 1612 with tryptophan.
Molecular consequence: missense variant.
Genome position (GRCh38, 1-based): chr19:13,253,021, A>C on the plus strand (T>G on the coding strand, the complement: CACNA1A is on the minus strand). VCF-style: chr19-13253021-A-C. GRCh37 (hg19) VCF-style: chr19-13363835-A-C.
Other names: c.4848T>G, p.Cys1616Trp (NM_000068.4, NM_023035.3); c.4839T>G, p.Cys1613Trp (NM_001127221.2, NM_001174080.2); short protein forms C1613W, C1612W, C1616W.
Identifiers: ClinVar variation 393096 (VCV000393096.13), dbSNP rs781413708, ClinGen allele CA9239926.